The following is an entry in ClinVar:

NM_139058.3(ARX):c.1531dup (p.Ala511fs)

Gene: ARX (aristaless related homeobox; minus strand). Cytogenetic location: Xp21.3.
Variant type: Duplication.
Coding change: c.1531dup on transcript NM_139058.3 (MANE Select); coding-DNA position 1531, one base duplicated (G; older notation c.1531dupG).
Protein change: p.Ala511fs; shifts the reading frame from alanine 511.
Molecular consequence: frameshift variant.
Genome position (GRCh38, 1-based): chrX:25,004,828, C duplicated on the plus strand (G on the coding strand, the reverse complement: ARX is on the minus strand). VCF-style (leftmost placement, unchanged base first): chrX-25004827-G-GC. GRCh37 (hg19) VCF-style: chrX-25022944-G-GC.
Other names: short protein forms A511fs.
Identifiers: ClinVar variation 3024090 (VCV003024090.1), dbSNP rs2519099351, ClinGen allele CA2740092064.

ClinVar aggregate classification (germline): Likely pathogenic (1 of 4 stars; one submission).

Conditions:
Developmental and epileptic encephalopathy, 1 (DEE1). Also called: INFANTILE SPASM SYNDROME, X-LINKED 1; OHTAHARA SYNDROME, X-LINKED; Epileptic encephalopathy, early infantile, 1; X-linked infantile spasms; West's syndrome; Tonic spasms with clustering, arrest of psychomotor development and hypsarrhythmia on EEG. Identifiers: MedGen C3463992, MONDO:0010632, OMIM 308350. Disease mechanism: loss of function.

Submission:

Neuberg Centre For Genomic Medicine, NCGM
Classification: Likely pathogenic for Developmental and epileptic encephalopathy, 1. Review status: criteria provided, single submitter. Criteria: ACMG Guidelines, 2015. Collection method: clinical testing. Allele origin: germline. Inheritance: X-linked recessive inheritance. Affected: yes. Observed: 1 hemizygote.
Comment: The frameshift c.1531dup (p.Ala511GlyfsTer21)variant in ARX gene has not been reported previously as a pathogenic variant nor as a benign variant, to our knowledge. This variant is novel (not in any individuals) in gnomAD Exomes and 1000 Genomes. This variant causes a frameshift starting with codon Alanine 511, changes this amino acid to Glycine residue, and creates a premature Stop codon at position 21 of the new reading frame, denoted p.Ala511GlyfsTer21. This variant is predicted to cause loss of normal protein function through protein truncation. Loss of function variants have been previously reported to be disease causing. For these reasons, this variant has been classified as Likely Pathogenic.